The following is an entry in ClinVar:

ClinVar aggregate classification (germline): Uncertain significance (1 of 4 stars; one submission).

Submission:

Ambry Genetics
Classification: Uncertain significance. Last evaluated: 2024-07-27. Review status: criteria provided, single submitter. Criteria: Ambry Variant Classification Scheme 2023. Collection method: clinical testing. Allele origin: germline.
Comment: The p.D22E variant (also known as c.66C>A), located in coding exon 2 of the BUB1 gene, results from a C to A substitution at nucleotide position 66. The aspartic acid at codon 22 is replaced by glutamic acid, an amino acid with highly similar properties. This amino acid position is conserved. In addition, this alteration is predicted to be deleterious by in silico analysis. Based on the available evidence, the clinical significance of this variant remains unclear.

NM_004336.5(BUB1):c.66C>A (p.Asp22Glu)

Gene: BUB1 (BUB1 mitotic checkpoint serine/threonine kinase; minus strand). Cytogenetic location: 2q13.
Variant type: single nucleotide variant.
Coding change: c.66C>A on transcript NM_004336.5 (MANE Select); coding-DNA position 66, C replaced by A.
Protein change: p.Asp22Glu; replaces aspartic acid 22 with glutamic acid.
Molecular consequence: missense variant. On other transcripts: intron variant (1).
Genome position (GRCh38, 1-based): chr2:110,674,326, G>T on the plus strand (C>A on the coding strand, the complement: BUB1 is on the minus strand). VCF-style: chr2-110674326-G-T. GRCh37 (hg19) VCF-style: chr2-111431903-G-T.
Other names: c.66C>A, p.Asp22Glu (NM_001278617.2); c.27-102C>A (NM_001278616.2); short protein forms D22E.
Identifiers: ClinVar variation 3483000 (VCV003483000.1).